The following is an entry in ClinVar:

NM_005343.4(HRAS):c.250A>G (p.Ile84Val)

Genes: HRAS (HRas proto-oncogene, GTPase; minus strand), LRRC56 (leucine rich repeat containing 56; plus strand). Cytogenetic location: 11p15.5.
Variant type: single nucleotide variant.
Coding change: c.250A>G on transcript NM_005343.4 (MANE Select); coding-DNA position 250, A replaced by G.
Protein change: p.Ile84Val; replaces isoleucine 84 with valine.
Molecular consequence: missense variant. On other transcripts: 5 prime UTR variant (1).
Genome position (GRCh38, 1-based): chr11:533,806, T>C on the plus strand (A>G on the coding strand, the complement: HRAS is on the minus strand). VCF-style: chr11-533806-T-C. GRCh37 (hg19) VCF-style: chr11-533806-T-C.
Other names: c.250A>G, p.Ile84Val (NM_001130442.3, NM_176795.5); c.-70A>G (NM_001318054.2); short protein forms I84V.
Identifiers: ClinVar variation 1895526 (VCV001895526.6), dbSNP rs2539796886, ClinGen allele CA378924480.

ClinVar aggregate classification (germline): Uncertain significance. Review status: criteria provided, multiple submitters, no conflicts (2 of 4 stars). 2 submissions from 2 submitters: Uncertain significance (2). Last evaluated 2022-06-13.

Conditions:
Costello syndrome (CSTLO). Also called: HRAS-Related Costello Syndrome; FCS SYNDROME; FACIOCUTANEOSKELETAL SYNDROME. Identifiers: Orphanet 3071, MedGen C0587248, MONDO:0009026, OMIM 218040.

Submissions (2):

Labcorp Genetics (formerly Invitae), Labcorp
Classification: Uncertain significance for Costello syndrome. Last evaluated: 2022-06-13. Review status: criteria provided, single submitter. Criteria: Invitae Variant Classification Sherloc (09022015). Collection method: clinical testing. Allele origin: germline.
Comment: This sequence change replaces isoleucine, which is neutral and non-polar, with valine, which is neutral and non-polar, at codon 84 of the HRAS protein (p.Ile84Val). This variant is not present in population databases (gnomAD no frequency). This variant has not been reported in the literature in individuals affected with HRAS-related conditions. Advanced modeling of protein sequence and biophysical properties (such as structural, functional, and spatial information, amino acid conservation, physicochemical variation, residue mobility, and thermodynamic stability) performed at Invitae indicates that this missense variant is not expected to disrupt HRAS protein function. In summary, the available evidence is currently insufficient to determine the role of this variant in disease. Therefore, it has been classified as a Variant of Uncertain Significance.

Blueprint Genetics
Classification: Uncertain significance. Last evaluated: 2019-08-24. Review status: criteria provided, single submitter. Criteria: ACMG Guidelines, 2015. Collection method: clinical testing. Allele origin: germline.